The following is an entry in ClinVar:

NM_000094.4(COL7A1):c.5058C>G (p.Ser1686Arg)

Gene: COL7A1 (collagen type VII alpha 1 chain; minus strand). Cytogenetic location: 3p21.31.
Variant type: single nucleotide variant.
Coding change: c.5058C>G on transcript NM_000094.4 (MANE Select); coding-DNA position 5058, C replaced by G.
Protein change: p.Ser1686Arg; replaces serine 1686 with arginine.
Molecular consequence: missense variant.
Genome position (GRCh38, 1-based): chr3:48,580,339, G>C on the plus strand (C>G on the coding strand, the complement: COL7A1 is on the minus strand). VCF-style: chr3-48580339-G-C. GRCh37 (hg19) VCF-style: chr3-48617772-G-C.
Other names: short protein forms S1686R.
Identifiers: ClinVar variation 2152942 (VCV002152942.5), dbSNP rs144700737, ClinGen allele CA2379688.

ClinVar aggregate classification (germline): Conflicting classifications of pathogenicity. Review status: criteria provided, conflicting classifications (1 of 4 stars). 2 submissions from 2 submitters: Uncertain significance (1); Likely benign (1). Last evaluated 2026-09-01.

Conditions:
Inborn genetic diseases. Identifiers: MedGen C0950123, MeSH D030342.

gnomAD v4.1: 8 of 1,609,530 alleles (0.0005%); highest among the groups gnomAD compares: African/African-American, 0.011%; no homozygotes.

Submissions (2):

Ambry Genetics
Classification: Uncertain significance for Inborn genetic diseases. Last evaluated: 2026-09-01. Review status: criteria provided, single submitter. Criteria: Ambry Variant Classification Scheme 2023. Collection method: clinical testing. Allele origin: germline.
Comment: The c.5058C>G (p.S1686R) alteration is located in exon 55 (coding exon 55) of the COL7A1 gene. This alteration results from a C to G substitution at nucleotide position 5058, causing the serine (S) at amino acid position 1686 to be replaced by an arginine (R). Based on data from gnomAD, the G allele has an overall frequency of 0.002% (5/271996) total alleles studied. The highest observed frequency was 0.021% (5/23474) of African alleles. Based on insufficient or conflicting evidence, the clinical significance of this alteration remains unclear.

Labcorp Genetics (formerly Invitae), Labcorp
Classification: Likely benign. Last evaluated: 2024-10-23. Review status: criteria provided, single submitter. Criteria: Invitae Variant Classification Sherloc (09022015). Collection method: clinical testing. Allele origin: germline.